The following is an entry in ClinVar:

ClinVar aggregate classification (germline): Uncertain significance. Review status: criteria provided, multiple submitters, no conflicts (2 of 4 stars). 2 submissions from 2 submitters: Uncertain significance (2). Last evaluated 2026-02-06.

Conditions:
DST-related disorder. Also called: DST-related condition; DST-related disorders.
Epidermolysis bullosa simplex 3, localized or generalized intermediate, with BP230 deficiency (EBS3). Also called: Epidermolysis bullosa simplex, autosomal recessive 2; Epidermolysis bullosa simplex due to BP230 deficiency. Identifiers: Orphanet 412181, MedGen C3809470, MONDO:0014180, OMIM 615425.
Hereditary sensory and autonomic neuropathy type 6. Also called: HSAN VI; Neuropathy, hereditary sensory and autonomic, type VI. Identifiers: Orphanet 314381, MedGen C3539003, MONDO:0013839, OMIM 614653.

Allele frequency attached by ClinVar (database versions not stated): gnomAD exomes 0.00006 and 0.00014; ESP Exome Variant Server 0.00008; gnomAD 0.00008 and 0.00009; TOPMed 0.00009; ExAC 0.00012.
gnomAD v4.1: 214 of 1,592,454 alleles (0.013%); highest among the groups gnomAD compares: Non-Finnish European, 0.017%; no homozygotes.

Submissions (2):

PreventionGenetics, part of Exact Sciences
Classification: Uncertain significance for DST-related condition. Last evaluated: 2026-02-06. Review status: criteria provided, single submitter. Criteria: ACMG Guidelines, 2015. Collection method: clinical testing. Allele origin: germline.
Comment: The DST c.12383G>A variant is predicted to result in the amino acid substitution p.Arg4128His. To our knowledge, this variant has not been reported in the literature. This variant is reported in 0.013% of alleles in individuals of Latino descent in gnomAD. At this time, the clinical significance of this variant is uncertain due to the absence of conclusive functional and genetic evidence.

Labcorp Genetics (formerly Invitae), Labcorp
Classification: Uncertain significance for Epidermolysis bullosa simplex 3, localized or generalized intermediate, with BP230 deficiency; Hereditary sensory and autonomic neuropathy type 6. Last evaluated: 2022-10-17. Review status: criteria provided, single submitter. Criteria: Invitae Variant Classification Sherloc (09022015). Collection method: clinical testing. Allele origin: germline.
Comment: The DST gene has multiple clinically relevant transcripts. This variant occurs in alternate transcript NM_015548.4, and corresponds to NM_001723.5:c.*104280G>A in the primary transcript. This sequence change replaces arginine, which is basic and polar, with histidine, which is basic and polar, at codon 3624 of the DST protein (p.Arg3624His). This variant is present in population databases (rs368560111, gnomAD 0.01%). This variant has not been reported in the literature in individuals affected with DST-related conditions. ClinVar contains an entry for this variant (Variation ID: 969570). Experimental studies and prediction algorithms are not available or were not evaluated, and the functional significance of this variant is currently unknown. In summary, the available evidence is currently insufficient to determine the role of this variant in disease. Therefore, it has been classified as a Variant of Uncertain Significance.

NM_001374736.1(DST):c.18740G>A (p.Arg6247His)

Gene: DST (dystonin; minus strand). Cytogenetic location: 6p12.1.
Variant type: single nucleotide variant.
Coding change: c.18740G>A on transcript NM_001374736.1 (MANE Select); coding-DNA position 18740, G replaced by A.
Protein change: p.Arg6247His; replaces arginine 6247 with histidine.
Molecular consequence: missense variant.
Genome position (GRCh38, 1-based): chr6:56,511,237, C>T on the plus strand (G>A on the coding strand, the complement: DST is on the minus strand). VCF-style: chr6-56511237-C-T. GRCh37 (hg19) VCF-style: chr6-56376035-C-T.
Other names: c.12383G>A (NM_001144769.2); c.12383G>A, p.Arg4128His (NM_001144769.5); c.11969G>A, p.Arg3990His (NM_001144770.2); c.18740G>A, p.Arg6247His (NM_001374722.1); c.17780G>A, p.Arg5927His (NM_001374729.1); c.11522G>A, p.Arg3841His (NM_001374730.1); c.18767G>A, p.Arg6256His (NM_001374734.1); c.10871G>A, p.Arg3624His (NM_015548.5); and 1 more; short protein forms R5927H, R6256H, R3990H, R3624H, R3841H, R3950H, R4128H, R6247H.
Identifiers: ClinVar variation 969570 (VCV000969570.6), dbSNP rs368560111, ClinGen allele CA3867162.